The following is an entry in ClinVar:

ClinVar aggregate classification (germline): Conflicting classifications of pathogenicity. Review status: criteria provided, conflicting classifications (1 of 4 stars). 5 submissions from 5 submitters: Uncertain significance (3); Likely benign (2). Last evaluated 2025-11-12.

Conditions:
Pierpont syndrome (PRPTS). Identifiers: Orphanet 487825, MedGen C1865644, MONDO:0011213, OMIM 602342.
Inborn genetic diseases. Identifiers: MedGen C0950123, MeSH D030342.

Allele frequency attached by ClinVar (database versions not stated): gnomAD 0.00001; gnomAD exomes 0.00001 and 0.00002; ExAC 0.00002; TOPMed 0.00003.
gnomAD v4.1: 8 of 1,613,374 alleles (0.0005%); highest among the groups gnomAD compares: Admixed American, 0.013%; no homozygotes.

Submissions (5):

Women's Health and Genetics/Laboratory Corporation of America, LabCorp
Classification: Uncertain significance. Last evaluated: 2025-11-12. Review status: criteria provided, single submitter. Criteria: LabCorp Variant Classification Summary - May 2015. Collection method: clinical testing. Allele origin: germline.
Comment: Variant summary: TBL1XR1 c.353C>T (p.Ala118Val) results in a non-conservative amino acid change in the encoded protein sequence. Algorithms developed to predict the effect of missense changes on protein structure and function are either unavailable or do not agree on the potential impact of this missense change. The variant allele was found at a frequency of 2e-05 in 248540 control chromosomes. The available data on variant occurrences in the general population are insufficient to allow any conclusion about variant significance. To our knowledge, no occurrence of c.353C>T in individuals affected with TBL1XR1-related conditions and no experimental evidence demonstrating its impact on protein function have been reported. ClinVar contains an entry for this variant (Variation ID: 964722). Based on the evidence outlined above, the variant was classified as uncertain significance.

Mayo Clinic Laboratories, Mayo Clinic
Classification: Likely benign. Last evaluated: 2025-06-05. Review status: criteria provided, single submitter. Criteria: ACMG Guidelines, 2015. Collection method: clinical testing. Allele origin: germline. Observed: 1 variant allele.
Comment: BS2, BP4_moderate

Labcorp Genetics (formerly Invitae), Labcorp
Classification: Uncertain significance for Pierpont syndrome. Last evaluated: 2025-05-30. Review status: criteria provided, single submitter. Criteria: Invitae Variant Classification Sherloc (09022015). Collection method: clinical testing. Allele origin: germline.
Comment: This sequence change replaces alanine, which is neutral and non-polar, with valine, which is neutral and non-polar, at codon 118 of the TBL1XR1 protein (p.Ala118Val). This variant is present in population databases (rs749382891, gnomAD 0.01%). This variant has not been reported in the literature in individuals affected with TBL1XR1-related conditions. ClinVar contains an entry for this variant (Variation ID: 964722). Invitae Evidence Modeling of protein sequence and biophysical properties (such as structural, functional, and spatial information, amino acid conservation, physicochemical variation, residue mobility, and thermodynamic stability) indicates that this missense variant is not expected to disrupt TBL1XR1 protein function with a negative predictive value of 95%. In summary, the available evidence is currently insufficient to determine the role of this variant in disease. Therefore, it has been classified as a Variant of Uncertain Significance.

Athena Diagnostics
Classification: Uncertain significance. Last evaluated: 2024-12-17. Review status: criteria provided, single submitter. Criteria: Athena Diagnostics Criteria. Collection method: clinical testing. Allele origin: unknown.
Comment: Available data are insufficient to determine the clinical significance of the variant at this time. The frequency of this variant in the general population is higher than would generally be expected for pathogenic variants in this gene. Polyphen and MutationTaster predict this amino acid change may be benign.

Ambry Genetics
Classification: Likely benign for Inborn genetic diseases. Last evaluated: 2019-06-14. Review status: criteria provided, single submitter. Criteria: Ambry Variant Classification Scheme 2023. Collection method: clinical testing. Allele origin: germline.

NM_024665.7(TBL1XR1):c.353C>T (p.Ala118Val)

Gene: TBL1XR1 (TBL1X/Y related 1; minus strand). Cytogenetic location: 3q26.32.
Variant type: single nucleotide variant.
Coding change: c.353C>T on transcript NM_024665.7 (MANE Select); coding-DNA position 353, C replaced by T.
Protein change: p.Ala118Val; replaces alanine 118 with valine.
Molecular consequence: missense variant.
Genome position (GRCh38, 1-based): chr3:177,051,578, G>A on the plus strand (C>T on the coding strand, the complement: TBL1XR1 is on the minus strand). VCF-style: chr3-177051578-G-A. GRCh37 (hg19) VCF-style: chr3-176769366-G-A.
Other names: p.Ala118Val; c.353C>T (NM_024665.6); c.353C>T, p.Ala118Val (NM_001321193.3, NM_001321194.3, NM_001374327.1 and 2 more transcripts); c.92C>T, p.Ala31Val (NM_001321195.3, NM_001374330.1); short protein forms A118V, A31V.
Identifiers: ClinVar variation 964722 (VCV000964722.15), dbSNP rs749382891, ClinGen allele CA2709997.